The following is an entry in ClinVar:

ClinVar aggregate classification (germline): Uncertain significance (1 of 4 stars; one submission).

Submission:

Labcorp Genetics (formerly Invitae), Labcorp
Classification: Uncertain significance. Last evaluated: 2025-11-23. Review status: criteria provided, single submitter. Criteria: Invitae Variant Classification Sherloc (09022015). Collection method: clinical testing. Allele origin: germline.
Comment: This sequence change replaces lysine, which is basic and polar, with threonine, which is neutral and polar, at codon 954 of the ZNF687 protein (p.Lys954Thr). This variant is not present in population databases (gnomAD no frequency). This variant has not been reported in the literature in individuals affected with ZNF687-related conditions. An algorithm developed to predict the effect of missense changes on protein structure and function (PolyPhen-2) suggests that this variant is likely to be tolerated. In summary, the available evidence is currently insufficient to determine the role of this variant in disease. Therefore, it has been classified as a Variant of Uncertain Significance.

NM_020832.3(ZNF687):c.2861A>C (p.Lys954Thr)

Gene: ZNF687 (zinc finger protein 687; plus strand). Cytogenetic location: 1q21.3.
Variant type: single nucleotide variant.
Coding change: c.2861A>C on transcript NM_020832.3 (MANE Select); coding-DNA position 2861, A replaced by C.
Protein change: p.Lys954Thr; replaces lysine 954 with threonine.
Molecular consequence: missense variant.
Genome position (GRCh38, 1-based): chr1:151,289,904, A>C. VCF-style: chr1-151289904-A-C. GRCh37 (hg19) VCF-style: chr1-151262380-A-C.
Other names: c.2861A>C, p.Lys954Thr (NM_001304763.2, NM_001304764.2); short protein forms K954T.
Identifiers: ClinVar variation 4731499 (VCV004731499.1).